The following is an entry in ClinVar:

NM_133497.4(KCNV2):c.25C>T (p.Arg9Trp)

Gene: KCNV2 (potassium voltage-gated channel modifier subfamily V member 2; plus strand). Cytogenetic location: 9p24.2.
Variant type: single nucleotide variant.
Coding change: c.25C>T on transcript NM_133497.4 (MANE Select); coding-DNA position 25, C replaced by T.
Protein change: p.Arg9Trp; replaces arginine 9 with tryptophan.
Molecular consequence: missense variant.
Genome position (GRCh38, 1-based): chr9:2,717,764, C>T. VCF-style: chr9-2717764-C-T. GRCh37 (hg19) VCF-style: chr9-2717764-C-T.
Other names: short protein forms R9W.
Identifiers: ClinVar variation 1430763 (VCV001430763.5), dbSNP rs746359393, ClinGen allele CA4965290.

ClinVar aggregate classification (germline): Uncertain significance (1 of 4 stars; one submission).

Allele frequency attached by ClinVar (database versions not stated): gnomAD exomes below 0.00001 and 0.00001; gnomAD 0.00001; TOPMed 0.00001; ExAC 0.00002.
gnomAD v4.1: 8 of 1,614,080 alleles (0.0005%); highest among the groups gnomAD compares: Admixed American, 0.0033%; no homozygotes.

Submission:

Labcorp Genetics (formerly Invitae), Labcorp
Classification: Uncertain significance. Last evaluated: 2022-03-22. Review status: criteria provided, single submitter. Criteria: Invitae Variant Classification Sherloc (09022015). Collection method: clinical testing. Allele origin: germline.
Comment: This sequence change replaces arginine, which is basic and polar, with tryptophan, which is neutral and slightly polar, at codon 9 of the KCNV2 protein (p.Arg9Trp). This variant is present in population databases (rs746359393, gnomAD 0.002%). This variant has not been reported in the literature in individuals affected with KCNV2-related conditions. Advanced modeling of protein sequence and biophysical properties (such as structural, functional, and spatial information, amino acid conservation, physicochemical variation, residue mobility, and thermodynamic stability) performed at Invitae indicates that this missense variant is not expected to disrupt KCNV2 protein function. In summary, the available evidence is currently insufficient to determine the role of this variant in disease. Therefore, it has been classified as a Variant of Uncertain Significance.